The following is an entry in ClinVar:

NM_006915.3(RP2):c.191T>C (p.Ile64Thr)

Gene: RP2 (RP2 activator of ARL3 GTPase; plus strand). Cytogenetic location: Xp11.3.
Variant type: single nucleotide variant.
Coding change: c.191T>C on transcript NM_006915.3 (MANE Select); coding-DNA position 191, T replaced by C.
Protein change: p.Ile64Thr; replaces isoleucine 64 with threonine.
Molecular consequence: missense variant.
Genome position (GRCh38, 1-based): chrX:46,853,564, T>C. VCF-style: chrX-46853564-T-C. GRCh37 (hg19) VCF-style: chrX-46712999-T-C.
Other names: short protein forms I64T.
Identifiers: ClinVar variation 1037781 (VCV001037781.6), dbSNP rs782712704, ClinGen allele CA10394190.
Genomic context (GRCh38, chrX:46,853,564, plus strand): 5'-GACTGAAGGATGAAACAGTAGGTCGCTTACCTGGGACGGTAGCAGGACAACAGTTTCTCA[T>C]TCAAGACTGTGAGAACTGTAACATCTATATTTTTGATCACTCTGCTACAGTTACCATTGA-3'
Protein context (NP_008846.2, residues 54-74): PGTVAGQQFL[Ile64Thr]QDCENCNIYI

ClinVar aggregate classification (germline): Uncertain significance (1 of 4 stars; one submission).

Allele frequency attached by ClinVar (database versions not stated): ExAC 0.00001; gnomAD exomes 0.00001.
gnomAD v4.1: 2 of 1,210,801 alleles (0.00017%); highest among the groups gnomAD compares: Admixed American, 0.0043%; no homozygotes.

Submission:

Labcorp Genetics (formerly Invitae), Labcorp
Classification: Uncertain significance. Last evaluated: 2022-03-10. Review status: criteria provided, single submitter. Criteria: Invitae Variant Classification Sherloc (09022015). Collection method: clinical testing. Allele origin: germline.
Comment: This sequence change replaces isoleucine, which is neutral and non-polar, with threonine, which is neutral and polar, at codon 64 of the RP2 protein (p.Ile64Thr). This variant is present in population databases (rs782712704, gnomAD 0.008%), including at least one homozygous and/or hemizygous individual. This variant has not been reported in the literature in individuals affected with RP2-related conditions. ClinVar contains an entry for this variant (Variation ID: 1037781). Algorithms developed to predict the effect of missense changes on protein structure and function (SIFT, PolyPhen-2, Align-GVGD) all suggest that this variant is likely to be disruptive. In summary, the available evidence is currently insufficient to determine the role of this variant in disease. Therefore, it has been classified as a Variant of Uncertain Significance.